The following is an entry in ClinVar:

ClinVar aggregate classification (germline): Uncertain significance (1 of 4 stars; one submission).

Conditions:
Microcephaly-intellectual disability-sensorineural hearing loss-epilepsy-abnormal muscle tone syndrome (NEDHSB). Also called: NEURODEVELOPMENTAL DISORDER WITH HEARING LOSS, SEIZURES, AND BRAIN ABNORMALITIES. Identifiers: Orphanet 457351, MedGen C4225276, MONDO:0014698, OMIM 616577.

Submission:

Labcorp Genetics (formerly Invitae), Labcorp
Classification: Uncertain significance for Microcephaly-intellectual disability-sensorineural hearing loss-epilepsy-abnormal muscle tone syndrome. Last evaluated: 2022-03-31. Review status: criteria provided, single submitter. Criteria: Invitae Variant Classification Sherloc (09022015). Collection method: clinical testing. Allele origin: germline.
Comment: In summary, the available evidence is currently insufficient to determine the role of this variant in disease. Therefore, it has been classified as a Variant of Uncertain Significance. Advanced modeling of protein sequence and biophysical properties (such as structural, functional, and spatial information, amino acid conservation, physicochemical variation, residue mobility, and thermodynamic stability) performed at Invitae indicates that this missense variant is expected to disrupt SPATA5 protein function. This variant has not been reported in the literature in individuals affected with SPATA5-related conditions. This variant is not present in population databases (gnomAD no frequency). This sequence change replaces glycine, which is neutral and non-polar, with arginine, which is basic and polar, at codon 663 of the SPATA5 protein (p.Gly663Arg).

NM_145207.3(AFG2A):c.1987G>A (p.Gly663Arg)

Gene: AFG2A (AAA ATPase AFG2A; plus strand). Cytogenetic location: 4q28.1.
Variant type: single nucleotide variant.
Coding change: c.1987G>A on transcript NM_145207.3 (MANE Select); coding-DNA position 1987, G replaced by A.
Protein change: p.Gly663Arg; replaces glycine 663 with arginine.
Molecular consequence: missense variant.
Genome position (GRCh38, 1-based): chr4:123,028,303, G>A. VCF-style: chr4-123028303-G-A. GRCh37 (hg19) VCF-style: chr4-123949458-G-A.
Other names: c.1984G>A, p.Gly662Arg (NM_001317799.2, NM_001345856.2); short protein forms G663R, G662R.
Identifiers: ClinVar variation 2118884 (VCV002118884.3), dbSNP rs2478022807, ClinGen allele CA358102639.